The following is an entry in ClinVar:

ClinVar aggregate classification (germline): Uncertain significance (1 of 4 stars; one submission).

Allele frequency attached by ClinVar (database versions not stated): gnomAD 0.00001; gnomAD exomes 0.00001 and 0.00009; TOPMed 0.00001.
gnomAD v4.1: 14 of 1,088,898 alleles (0.0013%); highest among the groups gnomAD compares: Non-Finnish European, 0.0015%; no homozygotes.

Submission:

Labcorp Genetics (formerly Invitae), Labcorp
Classification: Uncertain significance. Last evaluated: 2025-06-02. Review status: criteria provided, single submitter. Criteria: Invitae Variant Classification Sherloc (09022015). Collection method: clinical testing. Allele origin: germline.
Comment: This sequence change replaces lysine, which is basic and polar, with glutamic acid, which is acidic and polar, at codon 951 of the CACNA1B protein (p.Lys951Glu). This variant is present in population databases (no rsID available, gnomAD 0.01%). This variant has not been reported in the literature in individuals affected with CACNA1B-related conditions. ClinVar contains an entry for this variant (Variation ID: 1413049). An algorithm developed to predict the effect of missense changes on protein structure and function (PolyPhen-2) suggests that this variant is likely to be tolerated. In summary, the available evidence is currently insufficient to determine the role of this variant in disease. Therefore, it has been classified as a Variant of Uncertain Significance.

NM_000718.4(CACNA1B):c.2851A>G (p.Lys951Glu)

Gene: CACNA1B (calcium voltage-gated channel subunit alpha1 B; plus strand). Cytogenetic location: 9q34.3.
Variant type: single nucleotide variant.
Coding change: c.2851A>G on transcript NM_000718.4 (MANE Select); coding-DNA position 2851, A replaced by G.
Protein change: p.Lys951Glu; replaces lysine 951 with glutamic acid.
Molecular consequence: missense variant.
Genome position (GRCh38, 1-based): chr9:138,023,594, A>G. VCF-style: chr9-138023594-A-G. GRCh37 (hg19) VCF-style: chr9-140918046-A-G.
Other names: c.2851A>G, p.Lys951Glu (NM_001243812.2); short protein forms K951E.
Identifiers: ClinVar variation 1413049 (VCV001413049.5), dbSNP rs1379562630, ClinGen allele CA375810270.